The following is an entry in ClinVar:

ClinVar aggregate classification (germline): Pathogenic/Likely pathogenic. Review status: criteria provided, multiple submitters, no conflicts (2 of 4 stars). 3 submissions from 3 submitters: Pathogenic (1); Likely pathogenic (2). Last evaluated 2024-04-25.

Conditions:
Hypertrophic cardiomyopathy 4. Also called: Familial hypertrophic cardiomyopathy 4. Identifiers: MedGen C1861862, MONDO:0007268, OMIM 115197.
Hypertrophic cardiomyopathy. Also called: HYPERTROPHIC MYOCARDIOPATHY. Identifiers: Orphanet 217569, MedGen C0007194, MeSH D002312, MONDO:0005045, HP:0001639.

Submissions (3):

Labcorp Genetics (formerly Invitae), Labcorp
Classification: Pathogenic for Hypertrophic cardiomyopathy. Last evaluated: 2024-04-25. Review status: criteria provided, single submitter. Criteria: Invitae Variant Classification Sherloc (09022015). Collection method: clinical testing. Allele origin: germline.
Comment: This sequence change creates a premature translational stop signal (p.Asp151Metfs*8) in the MYBPC3 gene. It is expected to result in an absent or disrupted protein product. Loss-of-function variants in MYBPC3 are known to be pathogenic (PMID: 19574547). This variant is not present in population databases (gnomAD no frequency). This variant has not been reported in the literature in individuals affected with MYBPC3-related conditions. ClinVar contains an entry for this variant (Variation ID: 181105). For these reasons, this variant has been classified as Pathogenic.

Baylor Genetics
Classification: Likely pathogenic for Hypertrophic cardiomyopathy 4. Last evaluated: 2022-08-24. Review status: criteria provided, single submitter. Criteria: ACMG Guidelines, 2015. Collection method: clinical testing. Allele origin: unknown.

GeneDx
Classification: Likely pathogenic. Last evaluated: 2016-01-14. Review status: criteria provided, single submitter. Criteria: GeneDx Variant Classification (06012015). Collection method: clinical testing. Allele origin: germline. Affected: yes.
Comment: The c.450delC variant causes a shift in reading frame starting at codon Aspartic Acid 151, changing it to a Methionine, and creating a premature stop codon at position 8 of the new reading frame, denoted p.Asp151MetfsX8. This likely pathogenic variant is expected to result in either an abnormal, truncated protein product or loss of protein from this allele through nonsense-mediated mRNA decay. Multiple other downstream frameshift variants in the MYBPC3 gene have been reported in HGMD in association with HCM (Stenson et al., 2014). Furthermore, the c.450delC variant was not observed in approximately 6,100 individuals of European and African American ancestry in the NHLBI Exome Sequencing Project, indicating it is not a common benign variant in these populations. In summary, c.450delC in the MYBPC3 gene is expected to be pathogenic, as loss of function variants in this gene are strongly associated with this phenotype.

Literature cited by the submitters: PubMed 19574547 (cited by Labcorp Genetics (formerly Invitae), Labcorp).

NM_000256.3(MYBPC3):c.450del (p.Asp151fs)

Gene: MYBPC3 (myosin binding protein C3; minus strand). Cytogenetic location: 11p11.2.
Variant type: Deletion.
Coding change: c.450del on transcript NM_000256.3 (MANE Select); coding-DNA position 450, one base deleted (C; older notation c.450delC).
Protein change: p.Asp151fs; shifts the reading frame from aspartic acid 151.
Molecular consequence: frameshift variant.
Genome position (GRCh38, 1-based): chr11:47,350,069, G deleted on the plus strand (C on the coding strand, the reverse complement: MYBPC3 is on the minus strand); the first of 5 consecutive G bases (chr11:47,350,069-47,350,073); deleting any one gives the same sequence. VCF-style (leftmost placement, unchanged base first): chr11-47350068-CG-C. GRCh37 (hg19) VCF-style: chr11-47371619-CG-C.
Other names: c.450del, p.Asp151fs (LRG_386t1); c.450delC (NM_000256.3); short protein forms D151fs.
Identifiers: ClinVar variation 181105 (VCV000181105.10), dbSNP rs730880677, ClinGen allele CA015126.